The following is an entry in ClinVar:

NM_001365999.1(SZT2):c.6283T>G (p.Tyr2095Asp)

Gene: SZT2 (SZT2 subunit of KICSTOR complex; plus strand). Cytogenetic location: 1p34.2.
Variant type: single nucleotide variant.
Coding change: c.6283T>G on transcript NM_001365999.1 (MANE Select); coding-DNA position 6283, T replaced by G.
Protein change: p.Tyr2095Asp; replaces tyrosine 2095 with aspartic acid.
Molecular consequence: missense variant.
Genome position (GRCh38, 1-based): chr1:43,437,501, T>G. VCF-style: chr1-43437501-T-G. GRCh37 (hg19) VCF-style: chr1-43903172-T-G.
Other names: c.6112T>G, p.Tyr2038Asp (NM_015284.4); short protein forms Y2095D, Y2038D.
Identifiers: ClinVar variation 942128 (VCV000942128.12), dbSNP rs1178606747, ClinGen allele CA340029036.

ClinVar aggregate classification (germline): Uncertain significance. Review status: criteria provided, multiple submitters, no conflicts (2 of 4 stars). 3 submissions from 3 submitters: Uncertain significance (3). Last evaluated 2023-04-11.

Conditions:
Developmental and epileptic encephalopathy, 18 (DEE18). Also called: Early infantile epileptic encephalopathy 18. Identifiers: Orphanet 369894, MedGen C3809624, MONDO:0014201, OMIM 615476.

Allele frequency attached by ClinVar (database versions not stated): TOPMed below 0.00001.

Submissions (3):

Genome-Nilou Lab
Classification: Uncertain significance for Developmental and epileptic encephalopathy, 18. Last evaluated: 2023-04-11. Review status: criteria provided, single submitter. Criteria: ACMG Guidelines, 2015. Collection method: clinical testing. Allele origin: germline. Affected: no.

GeneDx
Classification: Uncertain significance. Last evaluated: 2022-08-05. Review status: criteria provided, single submitter. Criteria: GeneDx Variant Classification Process June 2021. Collection method: clinical testing. Allele origin: germline. Affected: yes.
Comment: Not observed at significant frequency in large population cohorts (gnomAD); In silico analysis supports that this missense variant has a deleterious effect on protein structure/function; This variant is associated with the following publications: (PMID: 31130284)

Labcorp Genetics (formerly Invitae), Labcorp
Classification: Uncertain significance. Last evaluated: 2019-07-21. Review status: criteria provided, single submitter. Criteria: Invitae Variant Classification Sherloc (09022015). Collection method: clinical testing. Allele origin: germline.
Comment: This sequence change replaces tyrosine with aspartic acid at codon 2038 of the SZT2 protein (p.Tyr2038Asp). The tyrosine residue is highly conserved and there is a large physicochemical difference between tyrosine and aspartic acid. This variant is not present in population databases (ExAC no frequency). This variant has not been reported in the literature in individuals with SZT2-related conditions. Algorithms developed to predict the effect of missense changes on protein structure and function (SIFT, PolyPhen-2, Align-GVGD) all suggest that this variant is likely to be disruptive, but these predictions have not been confirmed by published functional studies and their clinical significance is uncertain. In summary, the available evidence is currently insufficient to determine the role of this variant in disease. Therefore, it has been classified as a Variant of Uncertain Significance.